The following is an entry in ClinVar:

NM_016366.3(CABP2):c.499A>T (p.Asn167Tyr)

Gene: CABP2 (calcium binding protein 2; minus strand). Cytogenetic location: 11q13.2.
Variant type: single nucleotide variant.
Coding change: c.499A>T on transcript NM_016366.3 (MANE Select); coding-DNA position 499, A replaced by T.
Protein change: p.Asn167Tyr; replaces asparagine 167 with tyrosine.
Molecular consequence: missense variant.
Genome position (GRCh38, 1-based): chr11:67,519,931, T>A on the plus strand (A>T on the coding strand, the complement: CABP2 is on the minus strand). VCF-style: chr11-67519931-T-A. GRCh37 (hg19) VCF-style: chr11-67287402-T-A.
Other names: c.517A>T, p.Asn173Tyr (NM_001318496.2); short protein forms N173Y, N167Y.
Identifiers: ClinVar variation 3677727 (VCV003677727.2).

ClinVar aggregate classification (germline): Uncertain significance (1 of 4 stars; one submission).

gnomAD v4.1: 1 of 1,608,288 alleles (0.000062%); no homozygotes.

Submission:

Labcorp Genetics (formerly Invitae), Labcorp
Classification: Uncertain significance. Last evaluated: 2024-09-28. Review status: criteria provided, single submitter. Criteria: Invitae Variant Classification Sherloc (09022015). Collection method: clinical testing. Allele origin: germline.
Comment: This sequence change replaces asparagine, which is neutral and polar, with tyrosine, which is neutral and polar, at codon 167 of the CABP2 protein (p.Asn167Tyr). This variant is not present in population databases (gnomAD no frequency). This variant has not been reported in the literature in individuals affected with CABP2-related conditions. An algorithm developed to predict the effect of missense changes on protein structure and function (PolyPhen-2) suggests that this variant is likely to be disruptive. In summary, the available evidence is currently insufficient to determine the role of this variant in disease. Therefore, it has been classified as a Variant of Uncertain Significance.